The following is an entry in ClinVar:

ClinVar aggregate classification (germline): Benign/Likely benign. Review status: criteria provided, multiple submitters, no conflicts (2 of 4 stars). 3 submissions from 3 submitters: Benign (1); Likely benign (1). 1 of the submissions does not count toward it. Last evaluated 2026-01-22.

Conditions:
Laron-type isolated somatotropin defect. Also called: GROWTH HORMONE RECEPTOR DEFICIENCY; Laron Syndrome; Growth hormone binding protein deficiency or dysfunction; Growth hormone receptor deficiency or dysfunction; Laron dwarfism; Laron type pituitary dwarfism I. Identifiers: Orphanet 633, MedGen C0271568, MONDO:0009877, OMIM 262500.
GHR-related disorder. Also called: GHR-related condition.

Allele frequency attached by ClinVar (database versions not stated): gnomAD exomes 0.00061 and 0.00229; gnomAD 0.00068 and 0.00111; TOPMed 0.00122; ExAC 0.00202; 1000 Genomes Project 30x 0.00796; 1000 Genomes Project 0.00819.
gnomAD v4.1: 1,129 of 1,610,444 alleles (0.07%); highest among the groups gnomAD compares: East Asian, 2.1%; 13 homozygotes.

Submissions (3):

Labcorp Genetics (formerly Invitae), Labcorp
Classification: Benign. Last evaluated: 2026-01-22. Review status: criteria provided, single submitter. Criteria: Invitae Variant Classification Sherloc (09022015). Collection method: clinical testing. Allele origin: germline.

Illumina Laboratory Services, Illumina
Classification: Likely benign for Laron-type isolated somatotropin defect. Last evaluated: 2017-04-27. Review status: criteria provided, single submitter. Criteria: ICSL Variant Classification Criteria 13 December 2019. Collection method: clinical testing. Allele origin: germline.
Comment: This variant was observed as part of a predisposition screen in an ostensibly healthy population. A literature search was performed for the gene, cDNA change, and amino acid change (where applicable). No publications were found based on this search. Allele frequency data from public databases allowed determination this variant is unlikely to cause disease. Therefore, this variant is classified as likely benign.

PreventionGenetics, part of Exact Sciences
Classification: Benign for GHR-related condition. Last evaluated: 2024-09-10. Review status: no assertion criteria provided. Collection method: clinical testing. Allele origin: germline. Not counted in ClinVar's aggregate classification.
Comment: This variant is classified as benign based on ACMG/AMP sequence variant interpretation guidelines (Richards et al. 2015 PMID: 25741868, with internal and published modifications).

NM_000163.5(GHR):c.1483C>A (p.Pro495Thr)

Gene: GHR (growth hormone receptor; plus strand). Cytogenetic location: 5p12.
Variant type: single nucleotide variant.
Coding change: c.1483C>A on transcript NM_000163.5 (MANE Select); coding-DNA position 1483, C replaced by A.
Protein change: p.Pro495Thr; replaces proline 495 with threonine.
Molecular consequence: missense variant. On other transcripts: 3 prime UTR variant (1).
Genome position (GRCh38, 1-based): chr5:42,718,990, C>A. VCF-style: chr5-42718990-C-A. GRCh37 (hg19) VCF-style: chr5-42719092-C-A.
Other names: c.1504C>A, p.Pro502Thr (NM_001242399.2); c.1483C>A, p.Pro495Thr (NM_001242400.2, NM_001242401.4, NM_001242402.2 and 4 more transcripts); c.1417C>A, p.Pro473Thr (NM_001242460.2); c.*525C>A (NM_001242462.1); short protein forms P495T, P473T, P502T.
Identifiers: ClinVar variation 353685 (VCV000353685.15), dbSNP rs6183, ClinGen allele CA3254654.